The following is an entry in ClinVar:

NM_001267550.2(TTN):c.74532del (p.Asn24843_Tyr24844insTer)

Genes: TTN (titin; minus strand), TTN-AS1 (TTN antisense RNA 1; plus strand). Cytogenetic location: 2q31.2.
Variant type: Deletion.
Coding change: c.74532del on transcript NM_001267550.2 (MANE Select); coding-DNA position 74532, one base deleted (C; older notation c.74532delC).
Protein change: p.Asn24843_Tyr24844insTer.
Molecular consequence: nonsense.
Genome position (GRCh38, 1-based): chr2:178,571,600, G deleted on the plus strand (C on the coding strand, the reverse complement: TTN is on the minus strand). VCF-style (leftmost placement, unchanged base first): chr2-178571599-TG-T. GRCh37 (hg19) VCF-style: chr2-179436326-TG-T.
Other names: c.69609del, p.Asn23202_Tyr23203insTer (NM_001256850.1); c.47337del, p.Asn15778_Tyr15779insTer (NM_003319.4); c.66828del, p.Asn22275_Tyr22276insTer (NM_133378.4); c.47712del, p.Asn15903_Tyr15904insTer (NM_133432.3); c.47913del, p.Asn15970_Tyr15971insTer (NM_133437.4).
Identifiers: ClinVar variation 1068317 (VCV001068317.9), dbSNP rs2154169439, ClinGen allele CA2499215363.
Genomic context (GRCh38, chr2:178,571,599, plus strand): 5'-TTGCAACTGTAGCTGATACAATTTGCCAGGTGGTTGTGGAAGTGTCCCGTTTCTCAACAA[TG>T]TAATTATTGATAGAACTTCCACCATCATACTTGGGTGGGCCCCAGGAAAGAGTAATACTA-3'

ClinVar aggregate classification (germline): Likely pathogenic (1 of 4 stars; one submission).

Conditions:
Dilated cardiomyopathy 1G (CMD1G). Identifiers: Orphanet 154, MedGen C1858763, MONDO:0011400, OMIM 604145.
Autosomal recessive limb-girdle muscular dystrophy type 2J (LGMDR10). Also called: Limb-girdle muscular dystrophy, type 2J; MUSCULAR DYSTROPHY, LIMB-GIRDLE, AUTOSOMAL RECESSIVE 10. Identifiers: Orphanet 140922, MedGen C1837342, MONDO:0012127, OMIM 608807.

Submission:

Labcorp Genetics (formerly Invitae), Labcorp
Classification: Likely pathogenic for Dilated cardiomyopathy 1G; Autosomal recessive limb-girdle muscular dystrophy type 2J. Last evaluated: 2024-01-03. Review status: criteria provided, single submitter. Criteria: Invitae Variant Classification Sherloc (09022015). Collection method: clinical testing. Allele origin: germline.
Comment: This sequence change creates a premature translational stop signal (p.Tyr24844*) in the TTN gene. While this is not anticipated to result in nonsense mediated decay, it is expected to create a truncated TTN protein. This variant is not present in population databases (gnomAD no frequency). This variant has not been reported in the literature in individuals affected with TTN-related conditions. ClinVar contains an entry for this variant (Variation ID: 1068317). This variant is located in the A band of TTN (PMID: 25589632). Truncating variants in this region are significantly overrepresented in patients affected with dilated cardiomyopathy (PMID: 25589632). Truncating variants in this region have also been reported in individuals affected with autosomal recessive centronuclear myopathy (PMID: 23975875). In summary, the currently available evidence indicates that the variant is pathogenic, but additional data are needed to prove that conclusively. Therefore, this variant has been classified as Likely Pathogenic.

Literature cited by the submitters: PubMed 25589632; PubMed 23975875.